The following is an entry in ClinVar:

NM_000489.6(ATRX):c.2906T>C (p.Leu969Pro)

Gene: ATRX (ATRX chromatin remodeler; minus strand). Cytogenetic location: Xq21.1.
Variant type: single nucleotide variant.
Coding change: c.2906T>C on transcript NM_000489.6 (MANE Select); coding-DNA position 2906, T replaced by C.
Protein change: p.Leu969Pro; replaces leucine 969 with proline.
Molecular consequence: missense variant.
Genome position (GRCh38, 1-based): chrX:77,682,350, A>G on the plus strand (T>C on the coding strand, the complement: ATRX is on the minus strand). VCF-style: chrX-77682350-A-G. GRCh37 (hg19) VCF-style: chrX-76937842-A-G.
Other names: c.2792T>C, p.Leu931Pro (NM_138270.5); short protein forms L931P, L969P.
Identifiers: ClinVar variation 1026071 (VCV001026071.13), dbSNP rs2071260958, ClinGen allele CA413709749.

ClinVar aggregate classification (germline): Uncertain significance. Review status: criteria provided, single submitter (1 of 4 stars). 2 submissions from 2 submitters: Uncertain significance (1). 1 of the submissions does not count toward it. Last evaluated 2020-03-04.

Conditions:
Alpha thalassemia-X-linked intellectual disability syndrome (ATRX). Also called: ALPHA-THALASSEMIA/MENTAL RETARDATION SYNDROME, X-LINKED; ATR, NONDELETION TYPE; ATR-X syndrome; Alpha thalassemia mental retardation syndrome, nondeletion type, X-linked; XLMR hypotonic face syndrome; X-linked alpha-thalassemia-mental retardation syndrome. Identifiers: Orphanet 847, MedGen C1845055, MONDO:0010519, OMIM 301040.

Submissions (2):

Labcorp Genetics (formerly Invitae), Labcorp
Classification: Uncertain significance for Alpha thalassemia-X-linked intellectual disability syndrome. Last evaluated: 2020-03-04. Review status: criteria provided, single submitter. Criteria: Invitae Variant Classification Sherloc (09022015). Collection method: clinical testing. Allele origin: germline.
Comment: In summary, the available evidence is currently insufficient to determine the role of this variant in disease. Therefore, it has been classified as a Variant of Uncertain Significance. Algorithms developed to predict the effect of missense changes on protein structure and function output the following: SIFT: "Tolerated"; PolyPhen-2: "Benign"; Align-GVGD: "Class C0". The proline amino acid residue is found in multiple mammalian species, suggesting that this missense change does not adversely affect protein function. These predictions have not been confirmed by published functional studies and their clinical significance is uncertain. This variant has not been reported in the literature in individuals with ATRX-related conditions. This variant is not present in population databases (ExAC no frequency). This sequence change replaces leucine with proline at codon 969 of the ATRX protein (p.Leu969Pro). The leucine residue is weakly conserved and there is a moderate physicochemical difference between leucine and proline.

Natera, Inc.
Classification: Uncertain significance for X-linked alpha-thalassemia-mental retardation syndrome. Last evaluated: 2021-03-04. Review status: no assertion criteria provided. Collection method: clinical testing. Allele origin: germline. Not counted in ClinVar's aggregate classification.